The following is an entry in ClinVar:

ClinVar aggregate classification (germline): Likely pathogenic. Review status: criteria provided, multiple submitters, no conflicts (2 of 4 stars). 2 submissions from 2 submitters: Likely pathogenic (2). Last evaluated 2026-01-13.

Conditions:
Charcot-Marie-Tooth disease axonal type 2P. Also called: Charcot-Marie-Tooth Neuropathy Type 2G; CHARCOT-MARIE-TOOTH NEUROPATHY, TYPE 2P; CHARCOT-MARIE-TOOTH DISEASE, AXONAL, TYPE 2G; CMT 2G. Identifiers: Orphanet 300319, Orphanet 99941, MedGen C3280797, MONDO:0013753, OMIM 614436.
LRSAM1-related disorder. Also called: LRSAM1-related condition.

Submissions (2):

Labcorp Genetics (formerly Invitae), Labcorp
Classification: Likely pathogenic for Charcot-Marie-Tooth disease axonal type 2P. Last evaluated: 2026-01-13. Review status: criteria provided, single submitter. Criteria: Invitae Variant Classification Sherloc (09022015). Collection method: clinical testing. Allele origin: germline.
Comment: This sequence change creates a premature translational stop signal (p.Val677Cysfs*9) in the LRSAM1 gene. While this is not anticipated to result in nonsense mediated decay, it is expected to disrupt the last 47 amino acid(s) of the LRSAM1 protein. This variant is not present in population databases (gnomAD no frequency). This variant has not been reported in the literature in individuals affected with LRSAM1-related conditions. ClinVar contains an entry for this variant (Variation ID: 3647972). This protein change is located in a region of the LRSAM1 protein where a significant number of LRSAM1 nonsense and frameshift mutations have been reported in autosomal dominant Charcot-Marie-Tooth disease (PMID: 33414056, 31211173, 29341362). In summary, the currently available evidence indicates that the variant is pathogenic, but additional data are needed to prove that conclusively. Therefore, this variant has been classified as Likely Pathogenic.

Blueprint Genetics
Classification: Likely pathogenic for LRSAM1-related disorders. Last evaluated: 2022-07-27. Review status: criteria provided, single submitter. Criteria: ACMG Guidelines, 2015. Collection method: clinical testing. Allele origin: germline. Affected: yes. Observed: 2 variant alleles.

Literature cited by the submitters: PubMed 33414056 (cited by Labcorp Genetics (formerly Invitae), Labcorp); PubMed 31211173 (cited by Labcorp Genetics (formerly Invitae), Labcorp); PubMed 29341362 (cited by Labcorp Genetics (formerly Invitae), Labcorp).

NM_001005373.4(LRSAM1):c.2029del (p.Val677fs)

Gene: LRSAM1 (leucine rich repeat and sterile alpha motif containing 1; plus strand). Cytogenetic location: 9q34.11.
Variant type: Deletion.
Coding change: c.2029del on transcript NM_001005373.4 (MANE Select); coding-DNA position 2029, one base deleted (G; older notation c.2029delG).
Protein change: p.Val677fs; shifts the reading frame from valine 677.
Molecular consequence: frameshift variant. On other transcripts: non-coding transcript variant (2).
Genome position (GRCh38, 1-based): chr9:127,501,126, G deleted. VCF-style (leftmost placement, unchanged base first): chr9-127501125-CG-C. GRCh37 (hg19) VCF-style: chr9-130263404-CG-C.
Other names: c.2029del, p.Val677fs (NM_001005374.4, NM_001384142.1, NM_138361.5); c.1948del, p.Val650fs (NM_001190723.3); c.1930del, p.Val644fs (NM_001384143.1); c.1240del, p.Val414fs (NM_001384144.1); short protein forms V414fs, V650fs, V644fs, V677fs.
Identifiers: ClinVar variation 3647972 (VCV003647972.3).
Genomic context (GRCh38, chr9:127,501,125, plus strand): 5'-TGAGTCTGTGAGGCCATCCGCTCCCCCTGCAGAGCTGGAGGTGCAGGCCTCAGAGTGTGT[CG>C]TGTGCCTGGAACGGGAGGTAAGTCCGGGGCCCTCCCCACCCGCCTGCCCTGCCTGTGGCC-3'